The following is an entry in ClinVar:

GRCh38/hg38 8p23.1(chr8:7411297-8222398)x3

Genes: DEFB103A (defensin beta 103A; plus strand), DEFB103B (defensin beta 103B), DEFB104A (defensin beta 104A; plus strand), DEFB104B (defensin beta 104B), DEFB105A (defensin beta 105A; minus strand) and 32 more. Cytogenetic location: 8p23.1.
Variant type: copy number gain.
Change: copy number 3 (three copies instead of two) of chr8:7,411,297-8,222,398 (811.1 kb, GRCh38 coordinates, 1-based), cytogenetic band 8p23.1.
Identifiers: ClinVar variation 161011 (VCV000161011.1).

ClinVar aggregate classification (germline): Benign (1 of 4 stars; one submission).

Submission:

ISCA site 4
Classification: Benign. Last evaluated: 2011-08-12. Review status: criteria provided, single submitter. Criteria: Kaminsky et al. (Genet Med. 2011). Collection method: clinical testing. Allele origin: unknown, de novo. Affected: yes. Observed: 15 variant alleles. Clinical features observed: Developmental delay AND/OR other significant developmental or morphological phenotypes, Autism (HP:0000717), Sensorineural hearing impairment (HP:0000407), Global developmental delay (HP:0001263), Intellectual disability (HP:0001249), Abnormality of the nervous system (HP:0000707), Short attention span (HP:0000736), Seizure (HP:0001250), Abnormality of head and neck (HP:0000152), Abnormality of the mouth (HP:0000153).
Comment: Copy number variation identified through the course of routine clinical cytogenomic testing in postnatal populations. Clinical assertions have been curated as described in Kaminsky et al. 2011.